The following is an entry in ClinVar:

ClinVar aggregate classification (germline): Uncertain significance. Review status: criteria provided, single submitter (1 of 4 stars). 2 submissions from 2 submitters: Uncertain significance (1). 1 of the submissions does not count toward it. Last evaluated 2022-07-12.

Conditions:
Nemaline myopathy 2 (NEM2). Also called: Nemaline myopathy 2, autosomal recessive. Identifiers: MedGen C1850569, MONDO:0009725, OMIM 256030.

Submissions (2):

Labcorp Genetics (formerly Invitae), Labcorp
Classification: Uncertain significance for Nemaline myopathy 2. Last evaluated: 2022-07-12. Review status: criteria provided, single submitter. Criteria: Invitae Variant Classification Sherloc (09022015). Collection method: clinical testing. Allele origin: germline.
Comment: This variant, c.9053_9067del, results in the deletion of 5 amino acid(s) of the NEB protein (p.Asp3018_Ile3022del), but otherwise preserves the integrity of the reading frame. This variant is present in population databases (no rsID available, gnomAD 0.0009%). This variant has not been reported in the literature in individuals affected with NEB-related conditions. ClinVar contains an entry for this variant (Variation ID: 552753). Experimental studies and prediction algorithms are not available or were not evaluated, and the functional significance of this variant is currently unknown. In summary, the available evidence is currently insufficient to determine the role of this variant in disease. Therefore, it has been classified as a Variant of Uncertain Significance.

Counsyl
Classification: Uncertain significance for Nemaline myopathy 2. Last evaluated: 2017-07-05. Review status: no assertion criteria provided. Collection method: clinical testing. Allele origin: unknown. Not counted in ClinVar's aggregate classification.

NM_001164508.2(NEB):c.9053_9067del (p.Asp3018_Ile3022del)

Gene: NEB (nebulin; minus strand). Cytogenetic location: 2q23.3.
Variant type: Deletion.
Coding change: c.9053_9067del on transcript NM_001164508.2 (MANE Select); coding-DNA positions 9053 to 9067, 15 bases deleted (ACGCCATCCCCATCG).
Protein change: p.Asp3018_Ile3022del.
Molecular consequence: inframe deletion. On other transcripts: intron variant (1).
Genome position (GRCh38, 1-based): chr2:151,636,262-151,636,276, CGATGGGGATGGCGT deleted on the plus strand (ACGCCATCCCCATCG on the coding strand, the reverse complement: NEB is on the minus strand); deleting any 15 consecutive bases within chr2:151,636,262-151,636,278 gives the same sequence; the c. name uses the placement nearest the transcript's 3' end. VCF-style (leftmost placement, unchanged base first): chr2-151636261-ACGATGGGGATGGCGT-A. GRCh37 (hg19) VCF-style: chr2-152492775-ACGATGGGGATGGCGT-A.
Other names: c.9053_9067del, p.Asp3018_Ile3022del (NM_001164507.2, NM_001271208.2); c.8853+3617_8853+3631del (NM_004543.5).
Identifiers: ClinVar variation 552753 (VCV000552753.8), dbSNP rs1165631470, ClinGen allele CA536643451.